The following is an entry in ClinVar:

ClinVar aggregate classification (germline): Uncertain significance (1 of 4 stars; one submission).

Conditions:
Kabuki syndrome. Also called: NIIKAWA-KUROKI SYNDROME; Kabuki make-up syndrome. Identifiers: Orphanet 2322, MedGen C0796004, MONDO:0016512.

Allele frequency attached by ClinVar (database versions not stated): gnomAD exomes below 0.00001.
gnomAD v4.1: 1 of 1,605,754 alleles (0.000062%); highest among the groups gnomAD compares: Non-Finnish European, 0.000085%; no homozygotes.

Submission:

Labcorp Genetics (formerly Invitae), Labcorp
Classification: Uncertain significance for Kabuki syndrome. Last evaluated: 2023-11-28. Review status: criteria provided, single submitter. Criteria: Invitae Variant Classification Sherloc (09022015). Collection method: clinical testing. Allele origin: germline.
Comment: This sequence change replaces valine, which is neutral and non-polar, with glutamic acid, which is acidic and polar, at codon 2868 of the KMT2D protein (p.Val2868Glu). This variant is not present in population databases (gnomAD no frequency). This variant has not been reported in the literature in individuals affected with KMT2D-related conditions. ClinVar contains an entry for this variant (Variation ID: 2064006). Advanced modeling of protein sequence and biophysical properties (such as structural, functional, and spatial information, amino acid conservation, physicochemical variation, residue mobility, and thermodynamic stability) performed at Invitae indicates that this missense variant is not expected to disrupt KMT2D protein function with a negative predictive value of 95%. In summary, the available evidence is currently insufficient to determine the role of this variant in disease. Therefore, it has been classified as a Variant of Uncertain Significance.

NM_003482.4(KMT2D):c.8603T>A (p.Val2868Glu)

Gene: KMT2D (lysine methyltransferase 2D; minus strand). Cytogenetic location: 12q13.12.
Variant type: single nucleotide variant.
Coding change: c.8603T>A on transcript NM_003482.4 (MANE Select); coding-DNA position 8603, T replaced by A.
Protein change: p.Val2868Glu; replaces valine 2868 with glutamic acid.
Molecular consequence: missense variant.
Genome position (GRCh38, 1-based): chr12:49,038,753, A>T on the plus strand (T>A on the coding strand, the complement: KMT2D is on the minus strand). VCF-style: chr12-49038753-A-T. GRCh37 (hg19) VCF-style: chr12-49432536-A-T.
Other names: short protein forms V2868E.
Identifiers: ClinVar variation 2064006 (VCV002064006.4), dbSNP rs2120503625, ClinGen allele CA384741563.